The following is an entry in ClinVar:

NM_001048174.2(MUTYH):c.154T>A (p.Ser52Thr)

Gene: MUTYH (mutY DNA glycosylase; minus strand). Cytogenetic location: 1p34.1.
Variant type: single nucleotide variant.
Coding change: c.154T>A on transcript NM_001048174.2 (MANE Select); coding-DNA position 154, T replaced by A.
Protein change: p.Ser52Thr; replaces serine 52 with threonine.
Molecular consequence: missense variant. On other transcripts: 5 prime UTR variant (1), non-coding transcript variant (5), intron variant (5).
Genome position (GRCh38, 1-based): chr1:45,333,523, A>T on the plus strand (T>A on the coding strand, the complement: MUTYH is on the minus strand). VCF-style: chr1-45333523-A-T. GRCh37 (hg19) VCF-style: chr1-45799195-A-T.
Other names: c.154T>A, p.Ser52Thr (NM_001048171.2, NM_001048173.2, NM_001293195.2 and 6 more transcripts); c.157T>A, p.Ser53Thr (NM_001048172.2, NM_001407071.1, NM_001407078.1 and 2 more transcripts); c.238T>A, p.Ser80Thr (NM_001128425.2); c.199T>A, p.Ser67Thr (NM_001293190.2); c.187T>A, p.Ser63Thr (NM_001293191.2, NM_001407077.1); c.-118T>A (NM_001350650.2); c.229T>A, p.Ser77Thr (NM_001407069.1, NM_012222.3); c.196T>A, p.Ser66Thr (NM_001407073.1, NM_001407083.1, NM_001407085.1); and 4 more; short protein forms S24T, S53T, S67T, S77T, S63T, S66T, S80T, S52T.
Identifiers: ClinVar variation 4113538 (VCV004113538.1).

ClinVar aggregate classification (germline): Uncertain significance (1 of 4 stars; one submission).

Conditions:
Hereditary cancer-predisposing syndrome. Also called: Hereditary neoplastic syndrome; Neoplastic Syndromes, Hereditary; Tumor predisposition; Hereditary Cancer Syndrome. Identifiers: Orphanet 140162, MedGen C0027672, MeSH D009386, MONDO:0015356.

Submission:

Ambry Genetics
Classification: Uncertain significance for Hereditary cancer-predisposing syndrome. Last evaluated: 2025-08-27. Review status: criteria provided, single submitter. Criteria: Ambry Variant Classification Scheme 2023. Collection method: clinical testing. Allele origin: germline.
Comment: The p.S80T variant (also known as c.238T>A), located in coding exon 3 of the MUTYH gene, results from a T to A substitution at nucleotide position 238. The serine at codon 80 is replaced by threonine, an amino acid with similar properties. This amino acid position is conserved. In addition, this alteration is predicted to be tolerated by in silico analysis. Based on the available evidence, the clinical significance of this variant remains unclear.